The following is an entry in ClinVar:

NM_000435.3(NOTCH3):c.2752G>T (p.Gly918Cys)

Gene: NOTCH3 (notch receptor 3; minus strand). Cytogenetic location: 19p13.12.
Variant type: single nucleotide variant.
Coding change: c.2752G>T on transcript NM_000435.3 (MANE Select); coding-DNA position 2752, G replaced by T.
Protein change: p.Gly918Cys; replaces glycine 918 with cysteine.
Molecular consequence: missense variant.
Genome position (GRCh38, 1-based): chr19:15,181,616, C>A on the plus strand (G>T on the coding strand, the complement: NOTCH3 is on the minus strand). VCF-style: chr19-15181616-C-A. GRCh37 (hg19) VCF-style: chr19-15292427-C-A.
Other names: c.2752G>T (NM_000435.2); short protein forms G918C.
Identifiers: ClinVar variation 2428523 (VCV002428523.6), dbSNP rs1358592529, ClinGen allele CA404516879.

ClinVar aggregate classification (germline): Conflicting classifications of pathogenicity. Review status: criteria provided, conflicting classifications (1 of 4 stars). 3 submissions from 3 submitters: Likely pathogenic (1); Uncertain significance (2). Last evaluated 2026-03-10.

Conditions:
Inborn genetic diseases. Identifiers: MedGen C0950123, MeSH D030342.

Allele frequency attached by ClinVar (database versions not stated): gnomAD exomes below 0.00001.
gnomAD v4.1: 1 of 1,550,838 alleles (0.000064%); highest among the groups gnomAD compares: Non-Finnish European, 0.000087%; no homozygotes.

Submissions (3):

Ambry Genetics
Classification: Uncertain significance for Inborn genetic diseases. Last evaluated: 2026-03-10. Review status: criteria provided, single submitter. Criteria: Ambry Variant Classification Scheme 2023. Collection method: clinical testing. Allele origin: germline.

GeneDx
Classification: Uncertain significance. Last evaluated: 2025-02-27. Review status: criteria provided, single submitter. Criteria: GeneDx Variant Classification Process June 2021. Collection method: clinical testing. Allele origin: germline.
Comment: Not observed at significant frequency in large population cohorts (gnomAD); In silico analysis supports that this missense variant has a deleterious effect on protein structure/function; Has not been previously published as pathogenic or benign to our knowledge; This variant is associated with the following publications: (PMID: 24844136)

ARUP Laboratories, Molecular Genetics and Genomics, ARUP Laboratories
Classification: Likely pathogenic. Last evaluated: 2022-04-13. Review status: criteria provided, single submitter. Criteria: ARUP Molecular Germline Variant Investigation Process 2021. Collection method: clinical testing. Allele origin: germline.
Comment: The NOTCH3 c.2752G>T; p.Gly918Cys variant, to our knowledge, is not reported in the medical literature or gene specific databases. This variant is also absent from the Genome Aggregation Database, indicating it is not a common polymorphism. The glycine at codon 918 is highly conserved, and computational analyses predict that this variant is deleterious (REVEL: 0.877). Most pathogenic NOTCH3 variants occur in exons 2-24 and either create or destroy a cysteine residue within an EGF-like domain (Rutten 2014). Based on available information, this variant is considered to be likely pathogenic. References: Rutten JW et al. Interpretation of NOTCH3 mutations in the diagnosis of CADASIL. Expert Rev Mol Diagn. 2014 Jun;14(5):593-603.